The following is an entry in ClinVar:

ClinVar aggregate classification (germline): Conflicting classifications of pathogenicity. Review status: criteria provided, conflicting classifications (1 of 4 stars). 3 submissions from 3 submitters: Uncertain significance (2); Likely benign (1). Last evaluated 2025-07-07.

Conditions:
Hereditary cancer-predisposing syndrome. Also called: Neoplastic Syndromes, Hereditary; Tumor predisposition; Hereditary Cancer Syndrome; Hereditary neoplastic syndrome. Identifiers: Orphanet 140162, MedGen C0027672, MeSH D009386, MONDO:0015356.
Hereditary breast ovarian cancer syndrome. Also called: BRCA1- and BRCA2-Associated Hereditary Breast and Ovarian Cancer; Hereditary breast and ovarian cancer syndrome; Hereditary breast and ovarian cancer; Hereditary breast and ovarian cancer syndrome (HBOC); Breast and ovarian cancer; Hereditary breast and/or ovarian cancer syndrome. Identifiers: Orphanet 145, MedGen C0677776, MeSH D061325, MONDO:0003582. Disease mechanism: loss of function.

Allele frequency attached by ClinVar (database versions not stated): gnomAD exomes 0.00001.
gnomAD v4.1: 3 of 1,613,120 alleles (0.00019%); highest among the groups gnomAD compares: East Asian, 0.0045%; no homozygotes.

Submissions (3):

Labcorp Genetics (formerly Invitae), Labcorp
Classification: Uncertain significance for Hereditary breast ovarian cancer syndrome. Last evaluated: 2025-07-07. Review status: criteria provided, single submitter. Criteria: Invitae Variant Classification Sherloc (09022015). Collection method: clinical testing. Allele origin: germline.
Comment: This sequence change replaces lysine, which is basic and polar, with arginine, which is basic and polar, at codon 3083 of the BRCA2 protein (p.Lys3083Arg). This variant is not present in population databases (gnomAD no frequency). This missense change has been observed in individual(s) with breast cancer (PMID: 30287823). ClinVar contains an entry for this variant (Variation ID: 230818). Invitae Evidence Modeling of protein sequence and biophysical properties (such as structural, functional, and spatial information, amino acid conservation, physicochemical variation, residue mobility, and thermodynamic stability) indicates that this missense variant is not expected to disrupt BRCA2 protein function with a negative predictive value of 95%. In summary, the available evidence is currently insufficient to determine the role of this variant in disease. Therefore, it has been classified as a Variant of Uncertain Significance.

Ambry Genetics
Classification: Likely benign for Hereditary cancer-predisposing syndrome. Last evaluated: 2025-05-15. Review status: criteria provided, single submitter. Criteria: Ambry Variant Classification Scheme 2023. Collection method: clinical testing. Allele origin: germline.

Sema4
Classification: Uncertain significance for Hereditary cancer-predisposing syndrome. Last evaluated: 2021-07-19. Review status: criteria provided, single submitter. Criteria: Sema4 Curation Guidelines. Collection method: curation. Allele origin: germline.
Comment: The BRCA2 c.9248A>G (p.K3083R) variant has been reported in at least one individual with breast cancer, as well as in several healthy control individuals (PMID: 30287823, 32980694). It was not observed in the large and broad cohorts of the Genome Aggregation Database (PMID: 32461654). The variant has been reported in ClinVar (Variation ID 230818). Functional studies have not been performed and in silico predictions of the variants effect on protein function are inconclusive. The evidence is insufficient to meet ACMG/AMP criteria for classifying the variant as benign or pathogenic. Thus, the clinical significance of this variant is currently uncertain.

Literature cited by the submitters: PubMed 30287823 (cited by 3 submitters); PubMed 32980694 (cited by Sema4).

NM_000059.4(BRCA2):c.9248A>G (p.Lys3083Arg)

Gene: BRCA2 (BRCA2 DNA repair associated; plus strand). Cytogenetic location: 13q13.1.
Variant type: single nucleotide variant.
Coding change: c.9248A>G on transcript NM_000059.4 (MANE Select); coding-DNA position 9248, A replaced by G.
Protein change: p.Lys3083Arg; replaces lysine 3083 with arginine.
Molecular consequence: missense variant.
Genome position (GRCh38, 1-based): chr13:32,380,137, A>G. VCF-style: chr13-32380137-A-G. GRCh37 (hg19) VCF-style: chr13-32954274-A-G.
Other names: short protein forms K3083R.
Identifiers: ClinVar variation 230818 (VCV000230818.16), dbSNP rs876658793, ClinGen allele CA10579821.